The following is an entry in ClinVar:

ClinVar aggregate classification (germline): Uncertain significance. Review status: criteria provided, multiple submitters, no conflicts (2 of 4 stars). 2 submissions from 2 submitters: Uncertain significance (2). Last evaluated 2026-04-14.

Conditions:
Inborn genetic diseases. Identifiers: MedGen C0950123, MeSH D030342.

Allele frequency attached by ClinVar (database versions not stated): gnomAD exomes below 0.00001; TOPMed 0.00001.
gnomAD v4.1: 7 of 1,614,092 alleles (0.00043%); highest among the groups gnomAD compares: Admixed American, 0.0083%; no homozygotes.

Submissions (2):

Ambry Genetics
Classification: Uncertain significance for Inborn genetic diseases. Last evaluated: 2026-04-14. Review status: criteria provided, single submitter. Criteria: Ambry Variant Classification Scheme 2023. Collection method: clinical testing. Allele origin: germline.
Comment: The c.2291C>T (p.P764L) alteration is located in exon 18 (coding exon 16) of the KMT2E gene. This alteration results from a C to T substitution at nucleotide position 2291, causing the proline (P) at amino acid position 764 to be replaced by a leucine (L). Based on data from gnomAD, the T allele has an overall frequency of <0.001% (1/251260) total alleles studied. The highest observed frequency was 0.003% (1/34576) of Latino alleles. Based on insufficient or conflicting evidence, the clinical significance of this alteration remains unclear.

Labcorp Genetics (formerly Invitae), Labcorp
Classification: Uncertain significance. Last evaluated: 2022-11-08. Review status: criteria provided, single submitter. Criteria: Invitae Variant Classification Sherloc (09022015). Collection method: clinical testing. Allele origin: germline.
Comment: In summary, the available evidence is currently insufficient to determine the role of this variant in disease. Therefore, it has been classified as a Variant of Uncertain Significance. Advanced modeling of protein sequence and biophysical properties (such as structural, functional, and spatial information, amino acid conservation, physicochemical variation, residue mobility, and thermodynamic stability) performed at Invitae indicates that this missense variant is expected to disrupt KMT2E protein function. This variant has not been reported in the literature in individuals affected with KMT2E-related conditions. This variant is present in population databases (no rsID available, gnomAD 0.003%). This sequence change replaces proline, which is neutral and non-polar, with leucine, which is neutral and non-polar, at codon 764 of the KMT2E protein (p.Pro764Leu).

NM_182931.3(KMT2E):c.2291C>T (p.Pro764Leu)

Gene: KMT2E (lysine methyltransferase 2E (inactive); plus strand). Cytogenetic location: 7q22.3.
Variant type: single nucleotide variant.
Coding change: c.2291C>T on transcript NM_182931.3 (MANE Select); coding-DNA position 2291, C replaced by T.
Protein change: p.Pro764Leu; replaces proline 764 with leucine.
Molecular consequence: missense variant.
Genome position (GRCh38, 1-based): chr7:105,105,533, C>T. VCF-style: chr7-105105533-C-T. GRCh37 (hg19) VCF-style: chr7-104745980-C-T.
Other names: c.2291C>T (NM_182931.2); c.2291C>T, p.Pro764Leu (NM_001410908.1, NM_018682.4); short protein forms P764L.
Identifiers: ClinVar variation 2037173 (VCV002037173.5), dbSNP rs1238684227, ClinGen allele CA368785959.